The following is an entry in ClinVar:

NM_017852.5(NLRP2):c.83A>G (p.Tyr28Cys)

Gene: NLRP2 (NLR family pyrin domain containing 2; plus strand). Cytogenetic location: 19q13.42.
Variant type: single nucleotide variant.
Coding change: c.83A>G on transcript NM_017852.5 (MANE Select); coding-DNA position 83, A replaced by G.
Protein change: p.Tyr28Cys; replaces tyrosine 28 with cysteine.
Molecular consequence: missense variant. On other transcripts: non-coding transcript variant (1).
Genome position (GRCh38, 1-based): chr19:54,970,098, A>G. VCF-style: chr19-54970098-A-G. GRCh37 (hg19) VCF-style: chr19-55481466-A-G.
Other names: c.83A>G, p.Tyr28Cys (NM_001174081.3, NM_001174082.3, NM_001174083.2 and 1 more transcripts); short protein forms Y28C.
Identifiers: ClinVar variation 4529589 (VCV004529589.1).

ClinVar aggregate classification (germline): Uncertain significance (1 of 4 stars; one submission).

Submission:

GeneDx
Classification: Uncertain significance. Last evaluated: 2025-05-14. Review status: criteria provided, single submitter. Criteria: GeneDx Variant Classification Process June 2021. Collection method: clinical testing. Allele origin: germline. Affected: yes.
Comment: Not observed at significant frequency in large population cohorts (gnomAD); In silico analysis suggests that this missense variant does not alter protein structure/function; Has not been previously published as pathogenic or benign to our knowledge